The following is an entry in ClinVar:

ClinVar aggregate classification (germline): Likely benign. Review status: criteria provided, multiple submitters, no conflicts (2 of 4 stars). 2 submissions from 2 submitters: Likely benign (2). Last evaluated 2025-05-27.

Conditions:
Familial isolated arrhythmogenic right ventricular dysplasia. Identifiers: Orphanet 217656, MedGen C4274968, MONDO:0016342.
Arrhythmogenic right ventricular dysplasia 11. Also called: Arrhythmogenic Right Ventricular Dysplasia/Cardiomyopathy11; ARRHYTHMOGENIC RIGHT VENTRICULAR DYSPLASIA, FAMILIAL, 11; Arrhythmogenic right ventricular dysplasia 11 with mild palmoplantar keratoderma and woolly hair. Identifiers: MedGen C1864850, MONDO:0012506, OMIM 610476.

Allele frequency attached by ClinVar (database versions not stated): ExAC 0.00002; gnomAD exomes 0.00001.
gnomAD v4.1: 8 of 1,614,058 alleles (0.0005%); highest among the groups gnomAD compares: South Asian, 0.0066%; no homozygotes.

Submissions (2):

Labcorp Genetics (formerly Invitae), Labcorp
Classification: Likely benign for Arrhythmogenic right ventricular dysplasia 11. Last evaluated: 2025-05-27. Review status: criteria provided, single submitter. Criteria: Invitae Variant Classification Sherloc (09022015). Collection method: clinical testing. Allele origin: germline.

All of Us Research Program, National Institutes of Health
Classification: Likely benign for Familial isolated arrhythmogenic right ventricular dysplasia. Last evaluated: 2023-05-16. Review status: criteria provided, single submitter. Criteria: ACMG Guidelines, 2015. Collection method: clinical testing. Allele origin: germline. Inheritance: Autosomal dominant inheritance. Observed: 1 variant allele, 1 heterozygote.
Comment: This study involves interpretation of variants in research participants for the purpose of population health screening. Participant phenotype was not available at the time of variant classification. Additional details can be found in publication PMID: 35346344, PMCID: PMC8962531

NM_024422.6(DSC2):c.1812T>C (p.His604=)

Gene: DSC2 (desmocollin 2; minus strand). Cytogenetic location: 18q12.1.
Variant type: single nucleotide variant.
Coding change: c.1812T>C on transcript NM_024422.6 (MANE Select); coding-DNA position 1812, T replaced by C.
Protein change: p.His604=; no amino-acid change (histidine 604 retained).
Molecular consequence: synonymous variant.
Genome position (GRCh38, 1-based): chr18:31,074,759, A>G on the plus strand (T>C on the coding strand, the complement: DSC2 is on the minus strand). VCF-style: chr18-31074759-A-G. GRCh37 (hg19) VCF-style: chr18-28654725-A-G.
Other names: c.1383T>C, p.His461= (NM_001406506.1, NM_001406507.1); c.1812T>C, p.His604= (NM_004949.5).
Identifiers: ClinVar variation 1937546 (VCV001937546.6), dbSNP rs781010501, ClinGen allele CA033325.